The following is an entry in ClinVar:

ClinVar aggregate classification (germline): Uncertain significance (1 of 4 stars; one submission).

Submission:

Labcorp Genetics (formerly Invitae), Labcorp
Classification: Uncertain significance. Last evaluated: 2022-04-23. Review status: criteria provided, single submitter. Criteria: Invitae Variant Classification Sherloc (09022015). Collection method: clinical testing. Allele origin: germline.
Comment: In summary, the available evidence is currently insufficient to determine the role of this variant in disease. Therefore, it has been classified as a Variant of Uncertain Significance. Algorithms developed to predict the effect of missense changes on protein structure and function are either unavailable or do not agree on the potential impact of this missense change (SIFT: "Deleterious"; PolyPhen-2: "Possibly Damaging"; Align-GVGD: "Class C0"). This variant has not been reported in the literature in individuals affected with TGFB1-related conditions. This variant is not present in population databases (gnomAD no frequency). This sequence change replaces serine, which is neutral and polar, with cysteine, which is neutral and slightly polar, at codon 287 of the TGFB1 protein (p.Ser287Cys).

NM_000660.7(TGFB1):c.859A>T (p.Ser287Cys)

Gene: TGFB1 (transforming growth factor beta 1; minus strand). Cytogenetic location: 19q13.2.
Variant type: single nucleotide variant.
Coding change: c.859A>T on transcript NM_000660.7 (MANE Select); coding-DNA position 859, A replaced by T.
Protein change: p.Ser287Cys; replaces serine 287 with cysteine.
Molecular consequence: missense variant.
Genome position (GRCh38, 1-based): chr19:41,341,884, T>A on the plus strand (A>T on the coding strand, the complement: TGFB1 is on the minus strand). VCF-style: chr19-41341884-T-A. GRCh37 (hg19) VCF-style: chr19-41847789-T-A.
Other names: short protein forms S287C.
Identifiers: ClinVar variation 2110344 (VCV002110344.4), dbSNP rs2513381057, ClinGen allele CA405999237.